The following is an entry in ClinVar:

ClinVar aggregate classification (germline): Uncertain significance. Review status: criteria provided, multiple submitters, no conflicts (2 of 4 stars). 2 submissions from 2 submitters: Uncertain significance (2). Last evaluated 2022-09-27.

Conditions:
Intellectual developmental disorder, autosomal dominant 6, with or without seizures. Also called: Intellectual disability, autosomal dominant 6; GRIN2B-related developmental delay, intellectual disability and autism spectrum disorder. Identifiers: Orphanet 589547, MedGen C3151411, MONDO:0013509, OMIM 613970.
Developmental and epileptic encephalopathy, 27 (DEE27). Also called: GRIN2B-Related Neurodevelopmental Disorder; Epileptic encephalopathy, early infantile, 27. Identifiers: Orphanet 3451, MedGen C4015316, MONDO:0014505, OMIM 616139.

Allele frequency attached by ClinVar (database versions not stated): gnomAD exomes below 0.00001; ExAC 0.00001; gnomAD 0.00002; TOPMed 0.00002.

Submissions (2):

Labcorp Genetics (formerly Invitae), Labcorp
Classification: Uncertain significance for Developmental and epileptic encephalopathy, 27; Intellectual developmental disorder, autosomal dominant 6, with or without seizures. Last evaluated: 2022-09-27. Review status: criteria provided, single submitter. Criteria: Invitae Variant Classification Sherloc (09022015). Collection method: clinical testing. Allele origin: germline.
Comment: In summary, the available evidence is currently insufficient to determine the role of this variant in disease. Therefore, it has been classified as a Variant of Uncertain Significance. Advanced modeling of protein sequence and biophysical properties (such as structural, functional, and spatial information, amino acid conservation, physicochemical variation, residue mobility, and thermodynamic stability) performed at Invitae indicates that this missense variant is not expected to disrupt GRIN2B protein function. ClinVar contains an entry for this variant (Variation ID: 855592). This variant has not been reported in the literature in individuals affected with GRIN2B-related conditions. This variant is present in population databases (rs752473485, gnomAD 0.007%). This sequence change replaces methionine, which is neutral and non-polar, with isoleucine, which is neutral and non-polar, at codon 1339 of the GRIN2B protein (p.Met1339Ile).

Illumina Laboratory Services, Illumina
Classification: Uncertain significance for Mental retardation, autosomal dominant 6. Last evaluated: 2020-01-16. Review status: criteria provided, single submitter. Criteria: ICSLVariantClassificationCriteria RUGD 01 April 2020. Collection method: clinical testing. Allele origin: unknown.
Comment: The GRIN2B c.4017G>A (p.Met1339Ile) variant is a missense variant. A literature search was performed for the gene, cDNA change, and amino acid change. No publications were found based on this search. This variant is found at a frequency of 0.000062 in East Asian population in the Genome Aggregation Database in a region of good sequence coverage, however this frequency is based on one allele. Based on the limited evidence, the p.Met1339Ile variant is classified as a variant of unknown significance for GRIN2B-related neurodevelopmental disorder.

NM_000834.5(GRIN2B):c.4017G>A (p.Met1339Ile)

Gene: GRIN2B (glutamate ionotropic receptor NMDA type subunit 2B; minus strand). Cytogenetic location: 12p13.1.
Variant type: single nucleotide variant.
Coding change: c.4017G>A on transcript NM_000834.5 (MANE Select); coding-DNA position 4017, G replaced by A.
Protein change: p.Met1339Ile; replaces methionine 1339 with isoleucine.
Molecular consequence: missense variant.
Genome position (GRCh38, 1-based): chr12:13,563,221, C>T on the plus strand (G>A on the coding strand, the complement: GRIN2B is on the minus strand). VCF-style: chr12-13563221-C-T. GRCh37 (hg19) VCF-style: chr12-13716155-C-T.
Other names: short protein forms M1339I.
Identifiers: ClinVar variation 855592 (VCV000855592.11), dbSNP rs752473485, ClinGen allele CA6460802.